The following is an entry in ClinVar:

ClinVar aggregate classification (germline): Conflicting classifications of pathogenicity. Review status: criteria provided, conflicting classifications (1 of 4 stars). 7 submissions from 7 submitters: Uncertain significance (5); Benign (1); Likely benign (1). Last evaluated 2026-01-27.

Conditions:
ZNF469-related disorder. Also called: ZNF469-related condition.
Cardiovascular phenotype. Identifiers: MedGen CN230736.

Allele frequency attached by ClinVar (database versions not stated): 1000 Genomes Project 30x 0.00016; gnomAD 0.00016; TOPMed 0.00019; 1000 Genomes Project 0.00020.
gnomAD v4.1: 166 of 1,550,250 alleles (0.011%); highest among the groups gnomAD compares: Middle Eastern, 0.1%; no homozygotes.

Submissions (7):

PreventionGenetics, part of Exact Sciences
Classification: Uncertain significance for ZNF469-related condition. Last evaluated: 2026-01-27. Review status: criteria provided, single submitter. Criteria: ACMG Guidelines, 2015. Collection method: clinical testing. Allele origin: germline.
Comment: The ZNF469 c.3847C>T variant is predicted to result in the amino acid substitution p.Pro1283Ser. To our knowledge, this variant has not been reported in the literature. This variant is reported in 0.071% of alleles in individuals of Latino descent in gnomAD. Although we suspect that this variant may be benign, at this time, the clinical significance of this variant is uncertain due to the absence of conclusive functional and genetic evidence.

Women's Health and Genetics/Laboratory Corporation of America, LabCorp
Classification: Uncertain significance. Last evaluated: 2025-10-28. Review status: criteria provided, single submitter. Criteria: LabCorp Variant Classification Summary - May 2015. Collection method: clinical testing. Allele origin: germline.
Comment: Variant summary: ZNF469 c.3931C>T (p.Pro1311Ser) results in a non-conservative amino acid change in the encoded protein sequence. Algorithms developed to predict the effect of missense changes on protein structure and function are either unavailable or do not agree on the potential impact of this missense change. The variant allele was found at a frequency of 0.00022 in 151492 control chromosomes. This frequency is not significantly higher than estimated for disease-causing variants in ZNF469, allowing no conclusion about variant significance. To our knowledge, no occurrence of c.3931C>T in individuals affected with ZNF469-related conditions and no experimental evidence demonstrating its impact on protein function have been reported. ClinVar contains an entry for this variant (Variation ID: 320914). Based on the evidence outlined above, the variant was classified as uncertain significance.

GeneDx
Classification: Uncertain significance. Last evaluated: 2025-07-02. Review status: criteria provided, single submitter. Criteria: GeneDx Variant Classification Process June 2021. Collection method: clinical testing. Allele origin: germline. Affected: yes.
Comment: Has not been previously published as pathogenic or benign to our knowledge; In silico analysis supports that this missense variant does not alter protein structure/function

Ambry Genetics
Classification: Benign for Cardiovascular phenotype. Last evaluated: 2025-04-22. Review status: criteria provided, single submitter. Criteria: Ambry Variant Classification Scheme 2023. Collection method: clinical testing. Allele origin: germline.

Mayo Clinic Laboratories, Mayo Clinic
Classification: Likely benign. Last evaluated: 2025-03-17. Review status: criteria provided, single submitter. Criteria: ACMG Guidelines, 2015. Collection method: clinical testing. Allele origin: germline. Observed: 2 variant alleles.
Comment: BS1, BP4

Labcorp Genetics (formerly Invitae), Labcorp
Classification: Uncertain significance. Last evaluated: 2022-08-15. Review status: criteria provided, single submitter. Criteria: Invitae Variant Classification Sherloc (09022015). Collection method: clinical testing. Allele origin: germline.
Comment: This sequence change replaces proline, which is neutral and non-polar, with serine, which is neutral and polar, at codon 1283 of the ZNF469 protein (p.Pro1283Ser). This variant is present in population databases (rs187453092, gnomAD 0.08%). This variant has not been reported in the literature in individuals affected with ZNF469-related conditions. ClinVar contains an entry for this variant (Variation ID: 320914). Algorithms developed to predict the effect of missense changes on protein structure and function are either unavailable or do not agree on the potential impact of this missense change (SIFT: "Tolerated"; PolyPhen-2: "Possibly Damaging"; Align-GVGD: "Class C0"). In summary, the available evidence is currently insufficient to determine the role of this variant in disease. Therefore, it has been classified as a Variant of Uncertain Significance.

CeGaT Center for Human Genetics Tuebingen
Classification: Uncertain significance. Last evaluated: 2016-10-01. Review status: criteria provided, single submitter. Criteria: CeGaT Center For Human Genetics Tuebingen Variant Classification Criteria Version 2. Collection method: clinical testing. Allele origin: germline. Affected: yes. Observed: 1 variant allele.

NM_001367624.2(ZNF469):c.3931C>T (p.Pro1311Ser)

Gene: ZNF469 (zinc finger protein 469; plus strand). Cytogenetic location: 16q24.2.
Variant type: single nucleotide variant.
Coding change: c.3931C>T on transcript NM_001367624.2 (MANE Select); coding-DNA position 3931, C replaced by T.
Protein change: p.Pro1311Ser; replaces proline 1311 with serine.
Molecular consequence: missense variant.
Genome position (GRCh38, 1-based): chr16:88,431,401, C>T. VCF-style: chr16-88431401-C-T. GRCh37 (hg19) VCF-style: chr16-88497809-C-T.
Other names: NM_001127464.1:c.3847C>T; p.Pro1311Ser; NM_001127464.2:c.3847C>T; short protein forms P1311S.
Identifiers: ClinVar variation 320914 (VCV000320914.57), dbSNP rs187453092, ClinGen allele CA10638599.